The following is an entry in ClinVar:

NM_080425.4(GNAS):c.1895G>A (p.Arg632His)

Gene: GNAS (GNAS complex locus; plus strand). Cytogenetic location: 20q13.32.
Variant type: single nucleotide variant.
Coding change: c.1895G>A on transcript NM_080425.4 (MANE Plus Clinical); coding-DNA position 1895, G replaced by A.
Protein change: p.Arg632His; replaces arginine 632 with histidine.
Molecular consequence: missense variant. On other transcripts: intron variant (3).
Genome position (GRCh38, 1-based): chr20:58,855,160, G>A. VCF-style: chr20-58855160-G-A. GRCh37 (hg19) VCF-style: chr20-57430215-G-A.
Other names: c.1708G>A, p.Ala570Thr (NM_001077490.3, NM_001309883.1); c.1895G>A, p.Arg632His (NM_001410913.1); c.*42+14274G>A (NM_016592.5); c.43+14274G>A (NM_001410912.1); c.-39+13285G>A (NM_001309861.2); short protein forms A570T, R632H.
Identifiers: ClinVar variation 3358595 (VCV003358595.1).

ClinVar aggregate classification (germline): Uncertain significance (0 of 4 stars; one submission).

Conditions:
GNAS-related disorder. Identifiers: MedGen CN380105.

Submission:

PreventionGenetics, part of Exact Sciences
Classification: Uncertain significance for GNAS-related condition. Last evaluated: 2024-09-16. Review status: no assertion criteria provided. Collection method: clinical testing. Allele origin: germline.
Comment: The GNAS c.1895G>A variant is predicted to result in the amino acid substitution p.Arg632His. To our knowledge, this variant has not been reported in the literature or in a large population database, indicating this variant is rare. This variant is found in an alternate transcript. In the primary transcript, this variant is located in the pre-coding sequence (NM_000516.5:c.-36567G>A). At this time, the clinical significance of this variant is uncertain due to the absence of conclusive functional and genetic evidence.